The following is an entry in ClinVar:

NM_004655.4(AXIN2):c.1105A>C (p.Thr369Pro)

Gene: AXIN2 (axin 2; minus strand). Cytogenetic location: 17q24.1.
Variant type: single nucleotide variant.
Coding change: c.1105A>C on transcript NM_004655.4 (MANE Select); coding-DNA position 1105, A replaced by C.
Protein change: p.Thr369Pro; replaces threonine 369 with proline.
Molecular consequence: missense variant.
Genome position (GRCh38, 1-based): chr17:65,538,298, T>G on the plus strand (A>C on the coding strand, the complement: AXIN2 is on the minus strand). VCF-style: chr17-65538298-T-G. GRCh37 (hg19) VCF-style: chr17-63534416-T-G.
Other names: c.1105A>C (LRG_296t1); c.1105A>C, p.Thr369Pro (NM_001363813.1); short protein forms T369P.
Identifiers: ClinVar variation 408820 (VCV000408820.17), dbSNP rs759128363, ClinGen allele CA8718856.

ClinVar aggregate classification (germline): Uncertain significance. Review status: criteria provided, multiple submitters, no conflicts (2 of 4 stars). 4 submissions from 4 submitters: Uncertain significance (4). Last evaluated 2026-03-17.

Conditions:
Hereditary cancer-predisposing syndrome. Also called: Hereditary Cancer Syndrome; Tumor predisposition; Hereditary neoplastic syndrome; Neoplastic Syndromes, Hereditary. Identifiers: Orphanet 140162, MedGen C0027672, MeSH D009386, MONDO:0015356.
Oligodontia-cancer predisposition syndrome. Also called: TOOTH AGENESIS-COLORECTAL CANCER SYNDROME. Identifiers: Orphanet 300576, MedGen C1837750, MONDO:0012075, OMIM 608615. Disease mechanism: loss of function.

Allele frequency attached by ClinVar (database versions not stated): gnomAD 0.00002; TOPMed 0.00002; ExAC 0.00001.
gnomAD v4.1: 31 of 1,613,642 alleles (0.0019%); highest among the groups gnomAD compares: Non-Finnish European, 0.0025%; no homozygotes.

Submissions (4):

Ambry Genetics
Classification: Uncertain significance for Hereditary cancer-predisposing syndrome. Last evaluated: 2026-03-17. Review status: criteria provided, single submitter. Criteria: Ambry Variant Classification Scheme 2023. Collection method: clinical testing. Allele origin: germline.
Comment: The p.T369P variant (also known as c.1105A>C), located in coding exon 4 of the AXIN2 gene, results from an A to C substitution at nucleotide position 1105. The threonine at codon 369 is replaced by proline, an amino acid with highly similar properties. This amino acid position is poorly conserved in available vertebrate species. In addition, this alteration is predicted to be tolerated by in silico analysis. Based on the available evidence, the clinical significance of this variant remains unclear.

Labcorp Genetics (formerly Invitae), Labcorp
Classification: Uncertain significance for Oligodontia-cancer predisposition syndrome. Last evaluated: 2026-02-03. Review status: criteria provided, single submitter. Criteria: Invitae Variant Classification Sherloc (09022015). Collection method: clinical testing. Allele origin: germline.
Comment: This sequence change replaces threonine, which is neutral and polar, with proline, which is neutral and non-polar, at codon 369 of the AXIN2 protein (p.Thr369Pro). This variant is present in population databases (rs759128363, gnomAD 0.0009%). This variant has not been reported in the literature in individuals affected with AXIN2-related conditions. ClinVar contains an entry for this variant (Variation ID: 408820). Invitae Evidence Modeling of protein sequence and biophysical properties (such as structural, functional, and spatial information, amino acid conservation, physicochemical variation, residue mobility, and thermodynamic stability) indicates that this missense variant is not expected to disrupt AXIN2 protein function with a negative predictive value of 80%. In summary, the available evidence is currently insufficient to determine the role of this variant in disease. Therefore, it has been classified as a Variant of Uncertain Significance.

GeneDx
Classification: Uncertain significance. Last evaluated: 2022-10-10. Review status: criteria provided, single submitter. Criteria: GeneDx Variant Classification Process June 2021. Collection method: clinical testing. Allele origin: germline. Affected: yes.
Comment: Not observed at significant frequency in large population cohorts (gnomAD); In silico analysis supports that this missense variant does not alter protein structure/function; Has not been previously published as pathogenic or benign to our knowledge; This variant is associated with the following publications: (PMID: 15735151)

Sema4
Classification: Uncertain significance for Hereditary cancer-predisposing syndrome. Last evaluated: 2022-02-07. Review status: criteria provided, single submitter. Criteria: Sema4 Curation Guidelines. Collection method: curation. Allele origin: germline.
Comment: The AXIN2 c.1105A>C (p.T369P) variant has not been reported in the literature to our knowledge. It was observed in 1/113412 chromosomes in the Non-Finnish European population according to the Genome Aggregation Database (PMID: 32461654). This variant has been reported in ClinVar (Variation ID: 408820). Functional studies have not been performed, and in silico predictions of the variant's effect on protein function are inconclusive. The evidence is insufficient to meet ACMG/AMP criteria for classifying the variant as benign or pathogenic. Thus, the clinical significance of this variant is currently uncertain.